The following is an entry in ClinVar:

NM_053025.4(MYLK):c.2584del (p.Glu862fs)

Gene: MYLK (myosin light chain kinase; minus strand). Cytogenetic location: 3q21.1.
Variant type: Deletion.
Coding change: c.2584del on transcript NM_053025.4 (MANE Select); coding-DNA position 2584, one base deleted (G; older notation c.2584delG).
Protein change: p.Glu862fs; shifts the reading frame from glutamic acid 862.
Molecular consequence: frameshift variant.
Genome position (GRCh38, 1-based): chr3:123,700,884, C deleted on the plus strand (G on the coding strand, the reverse complement: MYLK is on the minus strand). VCF-style (leftmost placement, unchanged base first): chr3-123700883-TC-T. GRCh37 (hg19) VCF-style: chr3-123419730-TC-T.
Other names: c.2056del, p.Glu686fs (NM_001321309.2); c.2377del, p.Glu793fs (NM_053026.4, NM_053028.4); c.2584del, p.Glu862fs (NM_053027.4); short protein forms E686fs, E793fs, E862fs.
Identifiers: ClinVar variation 3638926 (VCV003638926.2).

ClinVar aggregate classification (germline): Uncertain significance (1 of 4 stars; one submission).

Conditions:
Aortic aneurysm, familial thoracic 7 (AAT7). Also called: AORTIC DISSECTION, FAMILIAL, WITH OR WITHOUT AORTIC ANEURYSM. Identifiers: MedGen C3151077, MONDO:0013418, OMIM 613780.

Submission:

Labcorp Genetics (formerly Invitae), Labcorp
Classification: Uncertain significance for Aortic aneurysm, familial thoracic 7. Last evaluated: 2024-09-24. Review status: criteria provided, single submitter. Criteria: Invitae Variant Classification Sherloc (09022015). Collection method: clinical testing. Allele origin: germline.
Comment: This sequence change creates a premature translational stop signal (p.Glu862Argfs*12) in the MYLK gene. This variant occurs in the long isoform of MYLK (PMID: 21055718). The current clinical and genetic evidence is not sufficient to establish whether loss-of-function variants in the long isoform of MYLK cause disease. This variant is not present in population databases (gnomAD no frequency). This variant has not been reported in the literature in individuals affected with MYLK-related conditions. In summary, the available evidence is currently insufficient to determine the role of this variant in disease. Therefore, it has been classified as a Variant of Uncertain Significance.

Literature cited by the submitters: PubMed 21055718.